The following is an entry in ClinVar:

ClinVar aggregate classification (germline): Uncertain significance (1 of 4 stars; one submission).

Conditions:
Early-infantile DEE. Also called: Ohtahara syndrome; Early infantile epileptic encephalopathy; Early infantile epileptic encephalopathy with suppression bursts. Identifiers: Orphanet 1934, MedGen C0393706, MONDO:0800491.

Submission:

Labcorp Genetics (formerly Invitae), Labcorp
Classification: Uncertain significance for Early-infantile DEE. Last evaluated: 2024-08-31. Review status: criteria provided, single submitter. Criteria: Invitae Variant Classification Sherloc (09022015). Collection method: clinical testing. Allele origin: germline.
Comment: This sequence change falls in intron 53 of the SPTAN1 gene. It does not directly change the encoded amino acid sequence of the SPTAN1 protein. This variant is not present in population databases (gnomAD no frequency). This variant has not been reported in the literature in individuals affected with SPTAN1-related conditions. Experimental studies and prediction algorithms are not available or were not evaluated, and the effect of this variant on mRNA splicing is currently unknown. In summary, the available evidence is currently insufficient to determine the role of this variant in disease. Therefore, it has been classified as a Variant of Uncertain Significance.

NM_001130438.3(SPTAN1):c.6960-23_6960-10del

Gene: SPTAN1 (spectrin alpha, non-erythrocytic 1; plus strand). Cytogenetic location: 9q34.11.
Variant type: Deletion.
Coding change: c.6960-23_6960-10del on transcript NM_001130438.3 (MANE Select); 23 bases into the intron before coding-DNA position 6960 through 10 bases into the intron before coding-DNA position 6960, 14 bases deleted (CCTAATTTCTGTTT).
Molecular consequence: intron variant.
Genome position (GRCh38, 1-based): chr9:128,632,408-128,632,421, CCTAATTTCTGTTT deleted. VCF-style (leftmost placement, unchanged base first): chr9-128632407-CCCTAATTTCTGTTT-C. GRCh37 (hg19) VCF-style: chr9-131394686-CCCTAATTTCTGTTT-C.
Other names: c.7059-23_7059-10del (NM_001375318.1); c.6996-23_6996-10del (NM_001375312.2); c.6960-23_6960-10del (NM_001375311.2); c.6900-23_6900-10del (NM_001375314.2, NM_001363765.2); c.7047-23_7047-10del (NM_001375310.1); c.7023-23_7023-10del (NM_001363759.2); c.6942-23_6942-10del (NM_001375313.1); c.6945-23_6945-10del (NM_003127.4); and 1 more.
Identifiers: ClinVar variation 3662396 (VCV003662396.2).